The following is an entry in ClinVar:

NM_001384474.1(LOXHD1):c.1970+1G>A

Gene: LOXHD1 (lipoxygenase homology PLAT domains 1; minus strand). Cytogenetic location: 18q21.1.
Variant type: single nucleotide variant.
Coding change: c.1970+1G>A on transcript NM_001384474.1 (MANE Select); the canonical splice donor site of the intron after coding-DNA position 1970, G replaced by A.
Molecular consequence: splice donor variant.
Genome position (GRCh38, 1-based): chr18:46,577,706, C>T on the plus strand (G>A on the coding strand, the complement: LOXHD1 is on the minus strand). VCF-style: chr18-46577706-C-T. GRCh37 (hg19) VCF-style: chr18-44157669-C-T.
Other names: c.1970+1G>A (NM_144612.7).
Identifiers: ClinVar variation 954078 (VCV000954078.8), dbSNP rs2037884594, ClinGen allele CA402377726.

ClinVar aggregate classification (germline): Likely pathogenic (1 of 4 stars; one submission).

Submission:

Labcorp Genetics (formerly Invitae), Labcorp
Classification: Likely pathogenic. Last evaluated: 2019-09-03. Review status: criteria provided, single submitter. Criteria: Invitae Variant Classification Sherloc (09022015). Collection method: clinical testing. Allele origin: germline.
Comment: In summary, the currently available evidence indicates that the variant is pathogenic, but additional data are needed to prove that conclusively. Therefore, this variant has been classified as Likely Pathogenic. Donor and acceptor splice site variants typically lead to a loss of protein function (PMID: 16199547), and loss-of-function variants in LOXHD1 are known to be pathogenic (PMID: 19732867, 21465660, 25792669). Algorithms developed to predict the effect of sequence changes on RNA splicing suggest that this variant may disrupt the consensus splice site, but this prediction has not been confirmed by published transcriptional studies. This variant has not been reported in the literature in individuals with LOXHD1-related conditions. This variant is not present in population databases (ExAC no frequency). This sequence change affects a donor splice site in intron 14 of the LOXHD1 gene. It is expected to disrupt RNA splicing and likely results in an absent or disrupted protein product.

Literature cited by the submitters: PubMed 16199547; PubMed 19732867; PubMed 21465660; PubMed 25792669.